The following is an entry in ClinVar:

NM_021927.3(GUF1):c.1247G>A (p.Arg416Gln)

Gene: GUF1 (GTP binding elongation factor GUF1; plus strand). Cytogenetic location: 4p12.
Variant type: single nucleotide variant.
Coding change: c.1247G>A on transcript NM_021927.3 (MANE Select); coding-DNA position 1247, G replaced by A.
Protein change: p.Arg416Gln; replaces arginine 416 with glutamine.
Molecular consequence: missense variant.
Genome position (GRCh38, 1-based): chr4:44,689,887, G>A. VCF-style: chr4-44689887-G-A. GRCh37 (hg19) VCF-style: chr4-44691904-G-A.
Other names: c.275G>A, p.Arg92Gln (NM_001345867.2, NM_001345869.2); c.1247G>A, p.Arg416Gln (NM_001345868.2); short protein forms R416Q, R92Q.
Identifiers: ClinVar variation 1360952 (VCV001360952.8), dbSNP rs758738277, ClinGen allele CA2905587.

ClinVar aggregate classification (germline): Uncertain significance (1 of 4 stars; one submission).

Allele frequency attached by ClinVar (database versions not stated): gnomAD exomes below 0.00001 and 0.00001; TOPMed below 0.00001; ExAC 0.00001.
gnomAD v4.1: 4 of 1,604,520 alleles (0.00025%); highest among the groups gnomAD compares: East Asian, 0.0045%; no homozygotes.

Submission:

Labcorp Genetics (formerly Invitae), Labcorp
Classification: Uncertain significance. Last evaluated: 2021-04-14. Review status: criteria provided, single submitter. Criteria: Invitae Variant Classification Sherloc (09022015). Collection method: clinical testing. Allele origin: germline.
Comment: In summary, the available evidence is currently insufficient to determine the role of this variant in disease. Therefore, it has been classified as a Variant of Uncertain Significance. Algorithms developed to predict the effect of missense changes on protein structure and function are either unavailable or do not agree on the potential impact of this missense change (SIFT: "Deleterious"; PolyPhen-2: "Probably Damaging"; Align-GVGD: "Class C0"). This variant has not been reported in the literature in individuals with GUF1-related conditions. This variant is present in population databases (rs758738277, ExAC 0.002%). This sequence change replaces arginine with glutamine at codon 416 of the GUF1 protein (p.Arg416Gln). The arginine residue is highly conserved and there is a small physicochemical difference between arginine and glutamine.